The following is an entry in ClinVar:

NM_173660.5(DOK7):c.100+66A>G

Gene: DOK7 (docking protein 7; plus strand). Cytogenetic location: 4p16.3.
Variant type: single nucleotide variant.
Coding change: c.100+66A>G on transcript NM_173660.5 (MANE Select); 66 bases into the intron after coding-DNA position 100, A replaced by G.
Molecular consequence: intron variant.
Genome position (GRCh38, 1-based): chr4:3,463,617, A>G. VCF-style: chr4-3463617-A-G. GRCh37 (hg19) VCF-style: chr4-3465344-A-G.
Other names: NC_000004.11:g.3465344A>G; c.100+66A>G (NM_001301071.2, NM_001363811.2, NM_001164673.2).
Identifiers: ClinVar variation 679501 (VCV000679501.3), dbSNP rs139051035, ClinGen allele CA16172487.

ClinVar aggregate classification (germline): Benign. Review status: criteria provided, multiple submitters, no conflicts (2 of 4 stars). 2 submissions from 2 submitters: Benign (2). Last evaluated 2018-06-19.

Allele frequency attached by ClinVar (database versions not stated): gnomAD 0.11146 and 0.11496; TOPMed 0.12300; gnomAD exomes 0.04552; 1000 Genomes Project 0.13159; 1000 Genomes Project 30x 0.13570.
gnomAD v4.1: 79,496 of 1,512,140 alleles (5.3%); highest among the groups gnomAD compares: African/African-American, 27%; 4,196 homozygotes.

Submissions (8):

GeneDx
Classification: Benign. Last evaluated: 2018-06-19. Review status: criteria provided, single submitter. Criteria: GeneDx Variant Classification (06012015). Collection method: clinical testing. Allele origin: germline. Affected: yes.
Comment: This variant is considered likely benign or benign based on one or more of the following criteria: it is a conservative change, it occurs at a poorly conserved position in the protein, it is predicted to be benign by multiple in silico algorithms, and/or has population frequency not consistent with disease.

Breakthrough Genomics
Classification: Benign. Review status: criteria provided, single submitter. Criteria: ACMG Guidelines, 2015. Collection method: not provided. Allele origin: germline. Inheritance: Autosomal recessive inheritance. Affected: yes.

Dr. Peter K. Rogan Lab, Western University
No classification provided (evidence only). Condition: Uterine corpus endometrial carcinoma. Review status: no classification provided. Collection method: in vitro. Allele origin: not applicable. Functional consequence: retained intron. Not counted in ClinVar's aggregate classification.

Dr. Peter K. Rogan Lab, Western University
No classification provided (evidence only). Condition: Uterine corpus endometrial carcinoma. Review status: no classification provided. Collection method: in vitro. Allele origin: not applicable. Functional consequence: retained intron. Not counted in ClinVar's aggregate classification.

Dr. Peter K. Rogan Lab, Western University
No classification provided (evidence only). Condition: Uterine corpus endometrial carcinoma. Review status: no classification provided. Collection method: in vitro. Allele origin: not applicable. Functional consequence: retained intron. Not counted in ClinVar's aggregate classification.

Dr. Peter K. Rogan Lab, Western University
No classification provided (evidence only). Condition: Thymoma. Review status: no classification provided. Collection method: in vitro. Allele origin: not applicable. Functional consequence: retained intron. Not counted in ClinVar's aggregate classification.

Dr. Peter K. Rogan Lab, Western University
No classification provided (evidence only). Condition: Thymoma. Review status: no classification provided. Collection method: in vitro. Allele origin: not applicable. Functional consequence: retained intron. Not counted in ClinVar's aggregate classification.

Dr. Peter K. Rogan Lab, Western University
No classification provided (evidence only). Condition: Malignant tumor of esophagus. Review status: no classification provided. Collection method: in vitro. Allele origin: not applicable. Functional consequence: retained intron. Not counted in ClinVar's aggregate classification.